The following is an entry in ClinVar:

NM_033109.5(PNPT1):c.558A>G (p.Gly186=)

Gene: PNPT1 (polyribonucleotide nucleotidyltransferase 1; minus strand). Cytogenetic location: 2p16.1.
Variant type: single nucleotide variant.
Coding change: c.558A>G on transcript NM_033109.5 (MANE Select); coding-DNA position 558, A replaced by G.
Protein change: p.Gly186=; no amino-acid change (glycine 186 retained).
Molecular consequence: synonymous variant.
Genome position (GRCh38, 1-based): chr2:55,680,719, T>C on the plus strand (A>G on the coding strand, the complement: PNPT1 is on the minus strand). VCF-style: chr2-55680719-T-C. GRCh37 (hg19) VCF-style: chr2-55907854-T-C.
Identifiers: ClinVar variation 2109153 (VCV002109153.4), dbSNP rs1281636728, ClinGen allele CA426175413.

ClinVar aggregate classification (germline): Uncertain significance (1 of 4 stars; one submission).

Allele frequency attached by ClinVar (database versions not stated): gnomAD exomes below 0.00001.
gnomAD v4.1: 2 of 1,612,868 alleles (0.00012%); highest among the groups gnomAD compares: Non-Finnish European, 0.000085%; no homozygotes.

Submission:

Labcorp Genetics (formerly Invitae), Labcorp
Classification: Uncertain significance. Last evaluated: 2022-03-11. Review status: criteria provided, single submitter. Criteria: Invitae Variant Classification Sherloc (09022015). Collection method: clinical testing. Allele origin: germline.
Comment: In summary, the available evidence is currently insufficient to determine the role of this variant in disease. Therefore, it has been classified as a Variant of Uncertain Significance. Algorithms developed to predict the effect of sequence changes on RNA splicing suggest that this variant may disrupt the consensus splice site. This variant has not been reported in the literature in individuals affected with PNPT1-related conditions. This variant is not present in population databases (gnomAD no frequency). This sequence change affects codon 186 of the PNPT1 mRNA. It is a 'silent' change, meaning that it does not change the encoded amino acid sequence of the PNPT1 protein.